The following is an entry in ClinVar:

ClinVar aggregate classification (germline): Uncertain significance. Review status: criteria provided, multiple submitters, no conflicts (2 of 4 stars). 4 submissions from 4 submitters: Uncertain significance (4). Last evaluated 2025-08-19.

Conditions:
Infantile neuroaxonal dystrophy (NBIA2A). Also called: NEURODEGENERATION WITH BRAIN IRON ACCUMULATION 2A; Infantile neuroaxonal dystrophy 1; SEITELBERGER DISEASE. Identifiers: Orphanet 35069, MedGen C0270724, MONDO:0024457, OMIM 256600.

Allele frequency attached by ClinVar (database versions not stated): ESP Exome Variant Server 0.00031; gnomAD exomes 0.00005 and 0.00007; ExAC 0.00006; gnomAD 0.00010 and 0.00011; TOPMed 0.00013.
gnomAD v4.1: 81 of 1,613,648 alleles (0.005%); highest among the groups gnomAD compares: African/African-American, 0.025%; no homozygotes.

Submissions (4):

GeneDx
Classification: Uncertain significance. Last evaluated: 2025-08-19. Review status: criteria provided, single submitter. Criteria: GeneDx Variant Classification Process June 2021. Collection method: clinical testing. Allele origin: germline. Affected: yes.
Comment: In silico analysis supports that this missense variant has a deleterious effect on protein structure/function; Has not been previously published as pathogenic or benign to our knowledge

Labcorp Genetics (formerly Invitae), Labcorp
Classification: Uncertain significance for Infantile neuroaxonal dystrophy. Last evaluated: 2022-07-19. Review status: criteria provided, single submitter. Criteria: Invitae Variant Classification Sherloc (09022015). Collection method: clinical testing. Allele origin: germline.
Comment: This sequence change replaces threonine, which is neutral and polar, with methionine, which is neutral and non-polar, at codon 575 of the PLA2G6 protein (p.Thr575Met). The frequency data for this variant in the population databases is considered unreliable, as metrics indicate poor data quality at this position in the gnomAD database. This variant has not been reported in the literature in individuals affected with PLA2G6-related conditions. ClinVar contains an entry for this variant (Variation ID: 809366). Advanced modeling of protein sequence and biophysical properties (such as structural, functional, and spatial information, amino acid conservation, physicochemical variation, residue mobility, and thermodynamic stability) performed at Invitae indicates that this missense variant is expected to disrupt PLA2G6 protein function. In summary, the available evidence is currently insufficient to determine the role of this variant in disease. Therefore, it has been classified as a Variant of Uncertain Significance.

AiLife Diagnostics
Classification: Uncertain significance. Last evaluated: 2021-06-10. Review status: criteria provided, single submitter. Criteria: ACMG Guidelines, 2015. Collection method: clinical testing. Allele origin: germline. Affected: yes. Observed: 1 variant allele.

CeGaT Center for Human Genetics Tuebingen
Classification: Uncertain significance. Last evaluated: 2019-03-01. Review status: criteria provided, single submitter. Criteria: CeGaT Center For Human Genetics Tuebingen Variant Classification Criteria Version 2. Collection method: clinical testing. Allele origin: germline. Affected: yes. Observed: 1 variant allele.

NM_003560.4(PLA2G6):c.1724C>T (p.Thr575Met)

Gene: PLA2G6 (phospholipase A2 group VI; minus strand). Cytogenetic location: 22q13.1.
Variant type: single nucleotide variant.
Coding change: c.1724C>T on transcript NM_003560.4 (MANE Select); coding-DNA position 1724, C replaced by T.
Protein change: p.Thr575Met; replaces threonine 575 with methionine.
Molecular consequence: missense variant.
Genome position (GRCh38, 1-based): chr22:38,120,777, G>A on the plus strand (C>T on the coding strand, the complement: PLA2G6 is on the minus strand). VCF-style: chr22-38120777-G-A. GRCh37 (hg19) VCF-style: chr22-38516784-G-A.
Other names: c.1562C>T, p.Thr521Met (NM_001004426.3, NM_001199562.3, NM_001349865.2 and 1 more transcripts); c.1724C>T, p.Thr575Met (NM_001349864.2); c.1190C>T, p.Thr397Met (NM_001349867.2); c.1046C>T, p.Thr349Met (NM_001349868.2); c.1028C>T, p.Thr343Met (NM_001349869.2); short protein forms T397M, T575M, T343M, T349M, T521M.
Identifiers: ClinVar variation 809366 (VCV000809366.49), dbSNP rs144012369, ClinGen allele CA10230771.